The following is an entry in ClinVar:

ClinVar aggregate classification (germline): Benign/Likely benign. Review status: criteria provided, single submitter (1 of 4 stars). 3 submissions from 1 submitter: Benign (1); Likely benign (2). Last evaluated 2018-01-13.

Conditions:
Hereditary spherocytosis type 4. Also called: SLC4A1-Related Spherocytosis. Identifiers: Orphanet 822, MedGen C2675212, MONDO:0012981, OMIM 612653.
Autosomal dominant distal renal tubular acidosis (DRTA1). Also called: RTA, CLASSIC TYPE; RTA, DISTAL TYPE, AUTOSOMAL DOMINANT; RTA, GRADIENT TYPE; Renal Tubular Acidosis, Type I; RENAL TUBULAR ACIDOSIS, DISTAL, 1. Identifiers: Orphanet 93608, MedGen CN280572, MONDO:0008368, OMIM 179800.
Hemolytic anemia. Identifiers: MedGen C0002878, MONDO:0003664, HP:0001878.

Allele frequency attached by ClinVar (database versions not stated): 1000 Genomes Project 30x 0.00125; 1000 Genomes Project 0.00140; gnomAD 0.00151 and 0.00167; TOPMed 0.00171; ESP Exome Variant Server 0.00223.
gnomAD v4.1: 470 of 1,613,980 alleles (0.029%); highest among the groups gnomAD compares: African/African-American, 0.52%; 3 homozygotes.

Submissions (3):

Illumina Laboratory Services, Illumina
Classification: Likely benign for Hereditary spherocytosis type 4. Last evaluated: 2018-01-13. Review status: criteria provided, single submitter. Criteria: ICSL Variant Classification Criteria 13 December 2019. Collection method: clinical testing. Allele origin: germline.
Comment: This variant was observed in the ICSL laboratory as part of a predisposition screen in an ostensibly healthy population. It had not been previously curated by ICSL or reported in the Human Gene Mutation Database (HGMD: prior to June 1st, 2018), and was therefore a candidate for classification through an automated scoring system. Utilizing variant allele frequency, disease prevalence and penetrance estimates, and inheritance mode, an automated score was calculated to assess if this variant is too frequent to cause the disease. Based on the score and internal cut-off values, a variant classified as likely benign is not then subjected to further curation. The score for this variant resulted in a classification of likely benign for this disease.

Illumina Laboratory Services, Illumina
Classification: Likely benign for Hemolytic anemia. Last evaluated: 2018-01-13. Review status: criteria provided, single submitter. Criteria: ICSL Variant Classification Criteria 13 December 2019. Collection method: clinical testing. Allele origin: germline.
Comment: the same text as in the submission from Illumina Laboratory Services, Illumina above.

Illumina Laboratory Services, Illumina
Classification: Benign for Autosomal dominant distal renal tubular acidosis. Last evaluated: 2018-01-13. Review status: criteria provided, single submitter. Criteria: ICSL Variant Classification Criteria 13 December 2019. Collection method: clinical testing. Allele origin: germline.
Comment: This variant was observed in the ICSL laboratory as part of a predisposition screen in an ostensibly healthy population. It had not been previously curated by ICSL or reported in the Human Gene Mutation Database (HGMD: prior to June 1st, 2018), and was therefore a candidate for classification through an automated scoring system. Utilizing variant allele frequency, disease prevalence and penetrance estimates, and inheritance mode, an automated score was calculated to assess if this variant is too frequent to cause the disease. Based on the score and internal cut-off values, a variant classified as benign is not then subjected to further curation. The score for this variant resulted in a classification of benign for this disease.

NM_000342.4(SLC4A1):c.-30C>T

Gene: SLC4A1 (solute carrier family 4 member 1 (Diego blood group); minus strand). Cytogenetic location: 17q21.31.
Variant type: single nucleotide variant.
Coding change: c.-30C>T on transcript NM_000342.4 (MANE Select); 30 bases upstream of the start codon, C replaced by T.
Molecular consequence: 5 prime UTR variant.
Genome position (GRCh38, 1-based): chr17:44,262,896, G>A on the plus strand (C>T on the coding strand, the complement: SLC4A1 is on the minus strand). VCF-style: chr17-44262896-G-A. GRCh37 (hg19) VCF-style: chr17-42340264-G-A.
Identifiers: ClinVar variation 323521 (VCV000323521.5), dbSNP rs148028272, ClinGen allele CA8600782.
Genomic context (GRCh38, chr17:44,262,896, plus strand): 5'-GCCAGGGAACACCCACCTGCAGCTCCTCCATGGCGTGGTCCTGAGTGTCCAGTTGTCTAC[G>A]GTGATCTGAGCCCCCAGCATAACCCGCACCGCGGGTCCCTGCAGCAGAGGGCACAGGCTG-3'